The following is an entry in ClinVar:

NM_006080.3(SEMA3A):c.607C>T (p.Arg203Ter)

Gene: SEMA3A (semaphorin 3A; minus strand). Cytogenetic location: 7q21.11.
Variant type: single nucleotide variant.
Coding change: c.607C>T on transcript NM_006080.3 (MANE Select); coding-DNA position 607, C replaced by T.
Protein change: p.Arg203Ter; replaces arginine 203 with a stop codon.
Molecular consequence: nonsense.
Genome position (GRCh38, 1-based): chr7:84,046,384, G>A on the plus strand (C>T on the coding strand, the complement: SEMA3A is on the minus strand). VCF-style: chr7-84046384-G-A. GRCh37 (hg19) VCF-style: chr7-83675700-G-A.
Other names: short protein forms R203*.
Identifiers: ClinVar variation 3381953 (VCV003381953.2).

ClinVar aggregate classification (germline): Uncertain significance (1 of 4 stars; one submission).

Conditions:
Hypogonadotropic hypogonadism 16 with or without anosmia (HH16). Also called: HYPOGONADOTROPIC HYPOGONADISM 16 WITH ANOSMIA, SUSCEPTIBILITY TO. Identifiers: Orphanet 478, MedGen C3554021, MONDO:0013961, OMIM 614897.

gnomAD v4.1: 2 of 1,613,174 alleles (0.00012%); highest among the groups gnomAD compares: Non-Finnish European, 0.00017%; no homozygotes.

Submission:

Juno Genomics, Hangzhou Juno Genomics, Inc
Classification: Uncertain significance for Hypogonadotropic hypogonadism 16 with or without anosmia. Review status: criteria provided, single submitter. Criteria: ACMG Guidelines, 2015. Collection method: clinical testing. Allele origin: germline. Affected: yes.
Comment: Absent from controls (or at extremely low frequency if recessive) in Genome Aggregation Database, Exome Sequencing Project, 1000 Genomes Project, or Exome Aggregation Consortium.;Patient's phenotype or family history is highly specific for a disease with a single genetic etiology.